The following is an entry in ClinVar:

NM_006087.4(TUBB4A):c.*100G>A

Gene: TUBB4A (tubulin beta 4A class IVa; minus strand). Cytogenetic location: 19p13.3.
Variant type: single nucleotide variant.
Coding change: c.*100G>A on transcript NM_006087.4 (MANE Select); 100 bases downstream of the stop codon, G replaced by A.
Molecular consequence: 3 prime UTR variant.
Genome position (GRCh38, 1-based): chr19:6,495,064, C>T on the plus strand (G>A on the coding strand, the complement: TUBB4A is on the minus strand). VCF-style: chr19-6495064-C-T. GRCh37 (hg19) VCF-style: chr19-6495075-C-T.
Other names: c.*100G>A (NM_001289123.2, NM_001289127.2, NM_001289129.2 and 2 more transcripts).
Identifiers: ClinVar variation 330257 (VCV000330257.5), dbSNP rs528792394, ClinGen allele CA10652807.

ClinVar aggregate classification (germline): Benign. Review status: criteria provided, single submitter (1 of 4 stars). 2 submissions from 1 submitter: Benign (2). Last evaluated 2018-01-13.

Conditions:
Torsion dystonia 4. Also called: DYT-TUBB4A (Autosomal Dominant Torsion Dystonia); DYSTONIA MUSCULORUM DEFORMANS 4. Identifiers: Orphanet 98805, MedGen C1851943, MONDO:0007493, OMIM 128101.
Leukodystrophy, hypomyelinating, 6. Also called: LEUKODYSTROPHY, HYPOMYELINATING, WITH ATROPHY OF THE BASAL GANGLIA AND CEREBELLUM; TUBB4A-Associated Leukodystrophy; Hypomyelination with Atrophy of Basal Ganglia and Cerebellum (H-ABC). Identifiers: Orphanet 139441, MedGen C2676244, MONDO:0012905, OMIM 612438.

Allele frequency attached by ClinVar (database versions not stated): 1000 Genomes Project 30x 0.00031; gnomAD 0.00039 and 0.00042; 1000 Genomes Project 0.00040; TOPMed 0.00046.
gnomAD v4.1: 880 of 1,432,408 alleles (0.061%); highest among the groups gnomAD compares: Middle Eastern, 0.097%; 2 homozygotes.

Submissions (2):

Illumina Laboratory Services, Illumina
Classification: Benign for Torsion dystonia 4. Last evaluated: 2018-01-13. Review status: criteria provided, single submitter. Criteria: ICSL Variant Classification Criteria 13 December 2019. Collection method: clinical testing. Allele origin: germline.
Comment: This variant was observed in the ICSL laboratory as part of a predisposition screen in an ostensibly healthy population. It had not been previously curated by ICSL or reported in the Human Gene Mutation Database (HGMD: prior to June 1st, 2018), and was therefore a candidate for classification through an automated scoring system. Utilizing variant allele frequency, disease prevalence and penetrance estimates, and inheritance mode, an automated score was calculated to assess if this variant is too frequent to cause the disease. Based on the score and internal cut-off values, a variant classified as benign is not then subjected to further curation. The score for this variant resulted in a classification of benign for this disease.

Illumina Laboratory Services, Illumina
Classification: Benign for Leukodystrophy, hypomyelinating, 6. Last evaluated: 2018-01-13. Review status: criteria provided, single submitter. Criteria: ICSL Variant Classification Criteria 13 December 2019. Collection method: clinical testing. Allele origin: germline.
Comment: the same text as in the submission from Illumina Laboratory Services, Illumina above.